The following is an entry in ClinVar:

ClinVar aggregate classification (germline): Uncertain significance. Review status: criteria provided, multiple submitters, no conflicts (2 of 4 stars). 2 submissions from 2 submitters: Uncertain significance (2). Last evaluated 2025-03-13.

Submissions (2):

Women's Health and Genetics/Laboratory Corporation of America, LabCorp
Classification: Uncertain significance. Last evaluated: 2025-03-13. Review status: criteria provided, single submitter. Criteria: LabCorp Variant Classification Summary - May 2015. Collection method: clinical testing. Allele origin: germline.
Comment: Variant summary: PMP2 c.3G>A (p.Met1Ile) alters the initiation codon and is predicted to result either in absence of the protein or truncation of the encoded protein due to translation initiation at a downstream codon. The next downstream in-frame initiation codon is at Met 21. No pathogenic variants have been reported upstream of this alternate initiation codon. Two of three in-silico tools predict a damaging effect of the variant on protein function. The variant allele was found at a frequency of 4e-06 in 251168 control chromosomes. The available data on variant occurrences in the general population are insufficient to allow any conclusion about variant significance. To our knowledge, no occurrence of c.3G>A in individuals affected with Charcot-Marie-Tooth disease, demyelinating, type 1G and no experimental evidence demonstrating its impact on protein function have been reported. ClinVar contains an entry for this variant (Variation ID: 3606206). Based on the evidence outlined above, the variant was classified as uncertain significance.

Labcorp Genetics (formerly Invitae), Labcorp
Classification: Uncertain significance. Last evaluated: 2024-02-08. Review status: criteria provided, single submitter. Criteria: Invitae Variant Classification Sherloc (09022015). Collection method: clinical testing. Allele origin: germline.
Comment: This sequence change affects the initiator methionine of the PMP2 mRNA. The next in-frame methionine is located at codon 21. This variant is present in population databases (rs748611705, gnomAD 0.004%). This variant has not been reported in the literature in individuals affected with PMP2-related conditions. Experimental studies and prediction algorithms are not available or were not evaluated, and the functional significance of this variant is currently unknown. Algorithms developed to predict the effect of sequence changes on RNA splicing suggest that this variant may disrupt the consensus splice site. In summary, the available evidence is currently insufficient to determine the role of this variant in disease. Therefore, it has been classified as a Variant of Uncertain Significance.

NM_002677.5(PMP2):c.3G>A (p.Met1Ile)

Gene: PMP2 (peripheral myelin protein 2; minus strand). Cytogenetic location: 8q21.13.
Variant type: single nucleotide variant.
Coding change: c.3G>A on transcript NM_002677.5 (MANE Select); coding-DNA position 3, G replaced by A.
Protein change: p.Met1Ile; changes the start codon (methionine 1).
Molecular consequence: missense variant, initiator codon variant.
Genome position (GRCh38, 1-based): chr8:81,447,384, C>T on the plus strand (G>A on the coding strand, the complement: PMP2 is on the minus strand). VCF-style: chr8-81447384-C-T. GRCh37 (hg19) VCF-style: chr8-82359619-C-T.
Other names: c.3G>A, p.Met1Ile (NM_001348381.2); short protein forms M1I.
Identifiers: ClinVar variation 3606206 (VCV003606206.3).
Genomic context (GRCh38, chr8:81,447,384, plus strand): 5'-CATGTAATCGTCAAAGTTCTCACTAGAGACAAGTTTCCAGGTGCCCAGGAATTTGTTGCT[C>T]ATCGTGATGGGTGAGAGCTCAACACAGTTCTAAGTGGGATTCAGAAGACTCAGATAAAAT-3'
Protein context (NP_002668.1, residues 1-11): [Met1Ile]SNKFLGTWKL